The following is an entry in ClinVar:

ClinVar aggregate classification (germline): Uncertain significance (1 of 4 stars; one submission).

Submission:

GeneDx
Classification: Uncertain significance. Last evaluated: 2022-04-21. Review status: criteria provided, single submitter. Criteria: GeneDx Variant Classification Process June 2021. Collection method: clinical testing. Allele origin: germline. Affected: yes.
Comment: Not observed at significant frequency in large population cohorts (gnomAD); In silico analysis supports that this missense variant does not alter protein structure/function; Has not been previously published as pathogenic or benign to our knowledge

NM_000379.4(XDH):c.880C>G (p.Pro294Ala)

Gene: XDH (xanthine dehydrogenase; minus strand). Cytogenetic location: 2p23.1.
Variant type: single nucleotide variant.
Coding change: c.880C>G on transcript NM_000379.4 (MANE Select); coding-DNA position 880, C replaced by G.
Protein change: p.Pro294Ala; replaces proline 294 with alanine.
Molecular consequence: missense variant.
Genome position (GRCh38, 1-based): chr2:31,383,761, G>C on the plus strand (C>G on the coding strand, the complement: XDH is on the minus strand). VCF-style: chr2-31383761-G-C. GRCh37 (hg19) VCF-style: chr2-31606627-G-C.
Other names: short protein forms P294A.
Identifiers: ClinVar variation 1712182 (VCV001712182.2), dbSNP rs1408082938, ClinGen allele CA346509636.
Genomic context (GRCh38, chr2:31,383,761, plus strand): 5'-ACCTATCCCCAGCCTCACAGCCCCTCCATAAGCTTGGAGTGAACCTCCTCTTACCGTCGG[G>C]TCCATGTTCTACCGAATTCAGCTCAGGGATCCAGGCTGGGCAGACAATCATAGGAAACAG-3'
Protein context (NP_000370.2, residues 284-304): IPELNSVEHG[Pro294Ala]DGISFGAACP